The following is an entry in ClinVar:

ClinVar aggregate classification (germline): Uncertain significance (1 of 4 stars; one submission).

gnomAD v4.1: 74 of 1,462,432 alleles (0.0051%); highest among the groups gnomAD compares: Non-Finnish European, 0.0069%; no homozygotes.

Submission:

Labcorp Genetics (formerly Invitae), Labcorp
Classification: Uncertain significance. Last evaluated: 2026-02-01. Review status: criteria provided, single submitter. Criteria: Invitae Variant Classification Sherloc (09022015). Collection method: clinical testing. Allele origin: germline.
Comment: This sequence change replaces alanine, which is neutral and non-polar, with valine, which is neutral and non-polar, at codon 981 of the PIK3C2A protein (p.Ala981Val). This variant is present in population databases (rs369031488, gnomAD 0.002%). This variant has not been reported in the literature in individuals affected with PIK3C2A-related conditions. An algorithm developed to predict the effect of missense changes on protein structure and function (PolyPhen-2) suggests that this variant is likely to be disruptive. In summary, the available evidence is currently insufficient to determine the role of this variant in disease. Therefore, it has been classified as a Variant of Uncertain Significance.

NM_002645.4(PIK3C2A):c.2942C>T (p.Ala981Val)

Gene: PIK3C2A (phosphatidylinositol-4-phosphate 3-kinase catalytic subunit type 2 alpha; minus strand). Cytogenetic location: 11p15.1.
Variant type: single nucleotide variant.
Coding change: c.2942C>T on transcript NM_002645.4 (MANE Select); coding-DNA position 2942, C replaced by T.
Protein change: p.Ala981Val; replaces alanine 981 with valine.
Molecular consequence: missense variant.
Genome position (GRCh38, 1-based): chr11:17,118,738, G>A on the plus strand (C>T on the coding strand, the complement: PIK3C2A is on the minus strand). VCF-style: chr11-17118738-G-A. GRCh37 (hg19) VCF-style: chr11-17140285-G-A.
Other names: c.2942C>T, p.Ala981Val (NM_001321378.2); c.1802C>T, p.Ala601Val (NM_001321380.2); c.2774C>T, p.Ala925Val (NM_001386870.1); short protein forms A925V, A601V, A981V.
Identifiers: ClinVar variation 4753400 (VCV004753400.1).